The following is an entry in ClinVar:

NC_000017.10:g.(?_56787214)_(56787357_?)dup

Gene: RAD51C (RAD51 paralog C; plus strand). Cytogenetic location: 17q22.
Variant type: Duplication.
Identifiers: ClinVar variation 538804 (VCV000538804.2).

ClinVar aggregate classification (germline): Uncertain significance (1 of 4 stars; one submission).

Conditions:
Fanconi anemia complementation group O. Also called: RAD51C-Related Fanconi Anemia. Identifiers: Orphanet 84, MedGen C3150653, MONDO:0013248, OMIM 613390.

Submission:

Labcorp Genetics (formerly Invitae), Labcorp
Classification: Uncertain significance for Fanconi anemia complementation group O. Last evaluated: 2017-08-24. Review status: criteria provided, single submitter. Criteria: Invitae Variant Classification Sherloc (09022015). Collection method: clinical testing. Allele origin: germline.
Comment: This variant is a gross duplication of the genomic region encompassing exon 5 of the RAD51C gene. While the exact position of the duplicated exon cannot be determined from this data, the duplicated copy of this region is likely in tandem and in-frame, therefore preserving the integrity of the reading frame. This variant has not been reported in the literature in individuals with RAD51C-related disease. Experimental studies and prediction algorithms are not available for this variant, and the functional significance of the duplicated amino acids is currently unknown. In summary, the available evidence is currently insufficient to determine the role of this variant in disease. Therefore, it has been classified as a Variant of Uncertain Significance.